The following is an entry in ClinVar:

ClinVar aggregate classification (germline): Uncertain significance. Review status: criteria provided, multiple submitters, no conflicts (2 of 4 stars). 2 submissions from 2 submitters: Uncertain significance (2). Last evaluated 2022-10-05.

Allele frequency attached by ClinVar (database versions not stated): gnomAD 0.00001; gnomAD exomes 0.00001.
gnomAD v4.1: 15 of 1,593,312 alleles (0.00094%); highest among the groups gnomAD compares: African/African-American, 0.0027%; no homozygotes.

Submissions (2):

Labcorp Genetics (formerly Invitae), Labcorp
Classification: Uncertain significance. Last evaluated: 2022-10-05. Review status: criteria provided, single submitter. Criteria: Invitae Variant Classification Sherloc (09022015). Collection method: clinical testing. Allele origin: germline.
Comment: This sequence change replaces arginine, which is basic and polar, with histidine, which is basic and polar, at codon 1396 of the MYH14 protein (p.Arg1396His). The frequency data for this variant in the population databases is considered unreliable, as metrics indicate poor data quality at this position in the gnomAD database. In summary, the available evidence is currently insufficient to determine the role of this variant in disease. Therefore, it has been classified as a Variant of Uncertain Significance. Advanced modeling of protein sequence and biophysical properties (such as structural, functional, and spatial information, amino acid conservation, physicochemical variation, residue mobility, and thermodynamic stability) performed at Invitae indicates that this missense variant is expected to disrupt MYH14 protein function. This variant has not been reported in the literature in individuals affected with MYH14-related conditions.

Kariminejad - Najmabadi Pathology & Genetics Center
Classification: Uncertain significance. Last evaluated: 2017-11-18. Review status: criteria provided, single submitter. Criteria: ACMG Guidelines, 2015. Collection method: clinical testing. Allele origin: germline. Inheritance: Autosomal dominant inheritance. Affected: yes.
Comment: PM2, PP3

NM_001145809.2(MYH14):c.4310G>A (p.Arg1437His)

Gene: MYH14 (myosin heavy chain 14; plus strand). Cytogenetic location: 19q13.33.
Variant type: single nucleotide variant.
Coding change: c.4310G>A on transcript NM_001145809.2 (MANE Select); coding-DNA position 4310, G replaced by A.
Protein change: p.Arg1437His; replaces arginine 1437 with histidine.
Molecular consequence: missense variant.
Genome position (GRCh38, 1-based): chr19:50,281,613, G>A. VCF-style: chr19-50281613-G-A. GRCh37 (hg19) VCF-style: chr19-50784870-G-A.
Other names: c.4211G>A, p.Arg1404His (NM_001077186.2); c.4187G>A, p.Arg1396His (NM_024729.4); short protein forms R1396H, R1404H, R1437H.
Identifiers: ClinVar variation 1948067 (VCV001948067.6), dbSNP rs766518836, ClinGen allele CA9593484.
Genomic context (GRCh38, chr19:50,281,613, plus strand): 5'-ATGGCCGTGACCACCAACCACCCTCTCTCTCCTCCCCTCAGCTTTCCGAGTGGCGGCGGC[G>A]CCAGGAGGAGGAGGCAGGGGCACTGGAGGCAGGGGAGGAGGCACGGCGCCGGGCAGCCCG-3'
Protein context (NP_001139281.1, residues 1427-1447): AQAQLSEWRR[Arg1437His]QEEEAGALEA